The following is an entry in ClinVar:

NM_000487.6(ARSA):c.413C>A (p.Pro138His)

Gene: ARSA (arylsulfatase A; minus strand). Cytogenetic location: 22q13.33.
Variant type: single nucleotide variant.
Coding change: c.413C>A on transcript NM_000487.6 (MANE Select); coding-DNA position 413, C replaced by A.
Protein change: p.Pro138His; replaces proline 138 with histidine.
Molecular consequence: missense variant.
Genome position (GRCh38, 1-based): chr22:50,627,218, G>T on the plus strand (C>A on the coding strand, the complement: ARSA is on the minus strand). VCF-style: chr22-50627218-G-T. GRCh37 (hg19) VCF-style: chr22-51065646-G-T.
Other names: c.413C>A, p.Pro138His (NM_001085425.3, NM_001085426.3, NM_001085427.3); c.155C>A, p.Pro52His (NM_001085428.3, NM_001362782.2); short protein forms P138H, P52H.
Identifiers: ClinVar variation 972184 (VCV000972184.8), dbSNP rs74315462, ClinGen allele CA412180394.
Genomic context (GRCh38, chr22:50,627,218, plus strand): 5'-GTTCCTACCTGGTCGTGGGAGTACGGGATGCCTAGAAATCGATGGAAGCCCTGATGGGGG[G>T]GCAGGAAGGCCCCCTCAGGCCCCACCCCAAGGTGCCACTTGCCGGCCATTCCTGTGAGGT-3'
Protein context (NP_000478.3, residues 128-148): LGVGPEGAFL[Pro138His]PHQGFHRFLG

ClinVar aggregate classification (germline): Conflicting classifications of pathogenicity. Review status: criteria provided, conflicting classifications (1 of 4 stars). 2 submissions from 2 submitters: Likely pathogenic (1); Uncertain significance (1). Last evaluated 2025-07-21.

Conditions:
Metachromatic leukodystrophy (MLD). Also called: ARSA DEFICIENCY; CEREBROSIDE SULFATASE DEFICIENCY; Cerebral sclerosis diffuse metachromatic form; SULFATIDE LIPIDOSIS; Arylsulfatase A Deficiency; METACHROMATIC LEUKOENCEPHALOPATHY. Identifiers: Orphanet 512, MedGen C0023522, MONDO:0018868, OMIM 250100.

Submissions (2):

Women's Health and Genetics/Laboratory Corporation of America, LabCorp
Classification: Uncertain significance. Last evaluated: 2025-07-21. Review status: criteria provided, single submitter. Criteria: LabCorp Variant Classification Summary - May 2015. Collection method: clinical testing. Allele origin: germline.
Comment: Variant summary: ARSA c.413C>A (p.Pro138His) results in a non-conservative amino acid change in the encoded protein sequence. Algorithms developed to predict the effect of missense changes on protein structure and function all suggest that this variant is likely to be disruptive. The variant was absent in 238454 control chromosomes. The available data on variant occurrences in the general population are insufficient to allow any conclusion about variant significance. To our knowledge, no occurrence of c.413C>A in individuals affected with Metachromatic Leukodystrophy and no experimental evidence demonstrating its impact on protein function have been reported. ClinVar contains an entry for this variant (Variation ID: 972184). Based on the evidence outlined above, the variant was classified as uncertain significance.

Labcorp Genetics (formerly Invitae), Labcorp
Classification: Likely pathogenic for Metachromatic leukodystrophy. Last evaluated: 2024-10-10. Review status: criteria provided, single submitter. Criteria: Invitae Variant Classification Sherloc (09022015). Collection method: clinical testing. Allele origin: germline.
Comment: This sequence change replaces proline, which is neutral and non-polar, with histidine, which is basic and polar, at codon 138 of the ARSA protein (p.Pro138His). This variant is not present in population databases (gnomAD no frequency). This variant has not been reported in the literature in individuals affected with ARSA-related conditions. ClinVar contains an entry for this variant (Variation ID: 972184). Invitae Evidence Modeling of protein sequence and biophysical properties (such as structural, functional, and spatial information, amino acid conservation, physicochemical variation, residue mobility, and thermodynamic stability) indicates that this missense variant is expected to disrupt ARSA protein function with a positive predictive value of 95%. This variant disrupts the p.Pro138 amino acid residue in ARSA. Other variant(s) that disrupt this residue have been determined to be pathogenic (PMID: 7860068, 22854541). This suggests that this residue is clinically significant, and that variants that disrupt this residue are likely to be disease-causing. In summary, the currently available evidence indicates that the variant is pathogenic, but additional data are needed to prove that conclusively. Therefore, this variant has been classified as Likely Pathogenic.

Literature cited by the submitters: PubMed 7860068 (cited by Labcorp Genetics (formerly Invitae), Labcorp); PubMed 22854541 (cited by Labcorp Genetics (formerly Invitae), Labcorp).